The following is an entry in ClinVar:

NM_018979.4(WNK1):c.4040C>G (p.Pro1347Arg)

Gene: WNK1 (WNK lysine deficient protein kinase 1; plus strand). Cytogenetic location: 12p13.33.
Variant type: single nucleotide variant.
Coding change: c.4040C>G on transcript NM_018979.4 (MANE Select); coding-DNA position 4040, C replaced by G.
Protein change: p.Pro1347Arg; replaces proline 1347 with arginine.
Molecular consequence: missense variant.
Genome position (GRCh38, 1-based): chr12:884,844, C>G. VCF-style: chr12-884844-C-G. GRCh37 (hg19) VCF-style: chr12-994010-C-G.
Other names: c.4820C>G, p.Pro1607Arg (NM_001184985.2); c.3299C>G, p.Pro1100Arg (NM_014823.3); c.4796C>G, p.Pro1599Arg (NM_213655.5); short protein forms P1100R, P1347R, P1599R, P1607R.
Identifiers: ClinVar variation 1721954 (VCV001721954.5), dbSNP rs2549040087, ClinGen allele CA383330443.

ClinVar aggregate classification (germline): Uncertain significance (1 of 4 stars; one submission).

Conditions:
Neuropathy, hereditary sensory and autonomic, type 2A (HSAN2A). Also called: MORVAN DISEASE; NEUROPATHY, CONGENITAL SENSORY; NEUROPATHY, HEREDITARY SENSORY RADICULAR, AUTOSOMAL RECESSIVE; NEUROPATHY, HEREDITARY SENSORY, TYPE IIA; NEUROPATHY, PROGRESSIVE SENSORY, OF CHILDREN; ACROOSTEOLYSIS, GIACCAI TYPE. Identifiers: Orphanet 970, MedGen C2752089, MONDO:0024309, OMIM 201300.
Pseudohypoaldosteronism type 2C (PHA2C). Also called: Pseudohypoaldosteronism Type IIC. Identifiers: Orphanet 757, Orphanet 88940, MedGen C1840391, MONDO:0013778, OMIM 614492.

Submission:

Labcorp Genetics (formerly Invitae), Labcorp
Classification: Uncertain significance for Neuropathy, hereditary sensory and autonomic, type 2A; Pseudohypoaldosteronism type 2C. Last evaluated: 2022-10-20. Review status: criteria provided, single submitter. Criteria: Invitae Variant Classification Sherloc (09022015). Collection method: clinical testing. Allele origin: germline.
Comment: This variant is not present in population databases (gnomAD no frequency). In summary, the available evidence is currently insufficient to determine the role of this variant in disease. Therefore, it has been classified as a Variant of Uncertain Significance. Advanced modeling of protein sequence and biophysical properties (such as structural, functional, and spatial information, amino acid conservation, physicochemical variation, residue mobility, and thermodynamic stability) performed at Invitae indicates that this missense variant is not expected to disrupt WNK1 protein function. This variant has not been reported in the literature in individuals affected with WNK1-related conditions. This sequence change replaces proline, which is neutral and non-polar, with arginine, which is basic and polar, at codon 1599 of the WNK1 protein (p.Pro1599Arg).